The following is an entry in ClinVar:

ClinVar aggregate classification (germline): Uncertain significance (1 of 4 stars; one submission).

Allele frequency attached by ClinVar (database versions not stated): ExAC 0.00002.

Submission:

GeneDx
Classification: Uncertain significance. Last evaluated: 2022-10-10. Review status: criteria provided, single submitter. Criteria: GeneDx Variant Classification Process June 2021. Collection method: clinical testing. Allele origin: germline. Affected: yes.
Comment: Has not been previously published as pathogenic or benign to our knowledge; In silico analysis supports that this missense variant does not alter protein structure/function; In-silico analysis is inconclusive as to whether the variant alters gene splicing. In the absence of RNA/functional studies, the actual effect of this sequence change is unknown.

NM_004815.4(ARHGAP29):c.1940G>A (p.Arg647Gln)

Gene: ARHGAP29 (Rho GTPase activating protein 29; minus strand). Cytogenetic location: 1p22.1.
Variant type: single nucleotide variant.
Coding change: c.1940G>A on transcript NM_004815.4 (MANE Select); coding-DNA position 1940, G replaced by A.
Protein change: p.Arg647Gln; replaces arginine 647 with glutamine.
Molecular consequence: missense variant.
Genome position (GRCh38, 1-based): chr1:94,185,041, C>T on the plus strand (G>A on the coding strand, the complement: ARHGAP29 is on the minus strand). VCF-style: chr1-94185041-C-T. GRCh37 (hg19) VCF-style: chr1-94650597-C-T.
Other names: c.1940G>A, p.Arg647Gln (NM_001328664.2); c.1748G>A, p.Arg583Gln (NM_001328665.2, NM_001328667.2); c.1913G>A, p.Arg638Gln (NM_001328666.2); short protein forms R583Q, R638Q, R647Q.
Identifiers: ClinVar variation 2497931 (VCV002497931.1), dbSNP rs748894382, ClinGen allele CA959379.